The following is an entry in ClinVar:

ClinVar aggregate classification (germline): Uncertain significance (0 of 4 stars; one submission).

Conditions:
Fanconi anemia complementation group A (FANCA). Also called: Fanconi anemia, group A; FANCA-Related Fanconi Anemia. Identifiers: Orphanet 84, MedGen C3469521, MONDO:0009215, OMIM 227650.

Submission:

Leiden Open Variation Database
Classification: Uncertain significance for Fanconi anemia complementation group A. Last evaluated: 2020-02-28. Review status: no assertion criteria provided. Collection method: curation. Allele origin: germline. Affected: yes.
Comment: Curator: Arleen D. Auerbach. Submitter to LOVD: Arleen D. Auerbach.

NM_000135.4(FANCA):c.3934+1_3934+18del

Genes: FANCA (FA complementation group A; minus strand), ZNF276 (zinc finger protein 276; plus strand). Cytogenetic location: 16q24.3.
Variant type: Deletion.
Coding change: c.3934+1_3934+18del on transcript NM_000135.4 (MANE Select); the canonical splice donor site of the intron after coding-DNA position 3934 through 18 bases into the intron after coding-DNA position 3934, 18 bases deleted (GTAAGAAACACGCTGCTG).
Molecular consequence: splice donor variant. On other transcripts: 3 prime UTR variant (2), non-coding transcript variant (4).
Genome position (GRCh38, 1-based): chr16:89,739,976-89,739,993, CAGCAGCGTGTTTCTTAC deleted on the plus strand (GTAAGAAACACGCTGCTG on the coding strand, the reverse complement: FANCA is on the minus strand); deleting any 18 consecutive bases within chr16:89,739,976-89,739,995 gives the same sequence; the c. name uses the placement nearest the transcript's 3' end. VCF-style (leftmost placement, unchanged base first): chr16-89739975-TCAGCAGCGTGTTTCTTAC-T. GRCh37 (hg19) VCF-style: chr16-89806383-TCAGCAGCGTGTTTCTTAC-T.
Other names: c.*1732_*1749del (NM_001113525.2, NM_152287.4); c.3934+1_3934+18del (NM_001286167.3).
Identifiers: ClinVar variation 974360 (VCV000974360.1), dbSNP rs2062086999, ClinGen allele CA1139664949.